The following is an entry in ClinVar:

ClinVar aggregate classification (germline): Pathogenic/Likely pathogenic. Review status: criteria provided, multiple submitters, no conflicts (2 of 4 stars). 6 submissions from 6 submitters: Pathogenic (2); Likely pathogenic (1). 3 of the submissions do not count toward it. Last evaluated 2026-08-26.

Conditions:
UV-sensitive syndrome 2 (UVSS2). Identifiers: Orphanet 178338, MedGen C3553298, MONDO:0013829, OMIM 614621.
Cockayne syndrome type 1. Also called: Cockayne syndrome type I; Cockayne syndrome classical; Cockayne syndrome classic form. Identifiers: Orphanet 191, Orphanet 90321, MedGen C0751039, MONDO:0019569, OMIM 216400.

Allele frequency attached by ClinVar (database versions not stated): TOPMed 0.00001; gnomAD exomes 0.00006; ExAC 0.00007.
gnomAD v4.1: 16 of 1,610,286 alleles (0.00099%); highest among the groups gnomAD compares: Admixed American, 0.027%; no homozygotes.

Submissions (6):

GeneDx
Classification: Pathogenic. Last evaluated: 2026-08-26. Review status: criteria provided, single submitter. Criteria: GeneDx Variant Classification Process June 2021. Collection method: clinical testing. Allele origin: germline.
Comment: Published functional studies demonstrate a damaging effect (PMID: 29531219); In silico analysis supports that this missense variant has a deleterious effect on protein structure/function; This variant is associated with the following publications: (PMID: 40225944, 19894250, 32048102, 29531219, 37751047, 16949367, 14661080, 28333167, 16865293, 17084038, 25653723, 23571135, Guo2024_Paper)

Labcorp Genetics (formerly Invitae), Labcorp
Classification: Pathogenic. Last evaluated: 2025-01-07. Review status: criteria provided, single submitter. Criteria: Invitae Variant Classification Sherloc (09022015). Collection method: clinical testing. Allele origin: germline.
Comment: This sequence change replaces alanine, which is neutral and non-polar, with proline, which is neutral and non-polar, at codon 205 of the ERCC8 protein (p.Ala205Pro). This variant is present in population databases (rs121434326, gnomAD 0.05%). This missense change has been observed in individual(s) with Cockayne syndrome (PMID: 14661080, 32048102). In at least one individual the data is consistent with being in trans (on the opposite chromosome) from a pathogenic variant. It has also been observed to segregate with disease in related individuals. ClinVar contains an entry for this variant (Variation ID: 1718). Invitae Evidence Modeling of protein sequence and biophysical properties (such as structural, functional, and spatial information, amino acid conservation, physicochemical variation, residue mobility, and thermodynamic stability) indicates that this missense variant is not expected to disrupt ERCC8 protein function with a negative predictive value of 80%. Experimental studies have shown that this missense change affects ERCC8 function (PMID: 16949367, 29531219). For these reasons, this variant has been classified as Pathogenic.

Fulgent Genetics
Classification: Likely pathogenic for Cockayne syndrome type 1; UV-sensitive syndrome 2. Last evaluated: 2024-06-24. Review status: criteria provided, single submitter. Criteria: ACMG Guidelines, 2015. Collection method: clinical testing. Allele origin: germline.

Counsyl
Classification: Uncertain significance for Cockayne syndrome type 1. Last evaluated: 2017-05-12. Review status: no assertion criteria provided. Collection method: clinical testing. Allele origin: unknown. Not counted in ClinVar's aggregate classification.

OMIM
Classification: Pathogenic for COCKAYNE SYNDROME A. Last evaluated: 2004-01-01. Review status: no assertion criteria provided. Collection method: literature only. Allele origin: germline. Not counted in ClinVar's aggregate classification.

UniProtKB/Swiss-Prot
No classification provided. Review status: no classification provided. Collection method: not provided. Allele origin: not provided. Not counted in ClinVar's aggregate classification.

Literature cited by the submitters: PubMed 14661080 (cited by 3 submitters); PubMed 32048102 (cited by Labcorp Genetics (formerly Invitae), Labcorp); PubMed 16949367 (cited by Labcorp Genetics (formerly Invitae), Labcorp); PubMed 29531219 (cited by Labcorp Genetics (formerly Invitae), Labcorp).

NM_000082.4(ERCC8):c.613G>C (p.Ala205Pro)

Gene: ERCC8 (ERCC excision repair 8, CSA ubiquitin ligase complex subunit; minus strand). Cytogenetic location: 5q12.1.
Variant type: single nucleotide variant.
Coding change: c.613G>C on transcript NM_000082.4 (MANE Select); coding-DNA position 613, G replaced by C.
Protein change: p.Ala205Pro; replaces alanine 205 with proline.
Molecular consequence: missense variant.
Genome position (GRCh38, 1-based): chr5:60,902,446, C>G on the plus strand (G>C on the coding strand, the complement: ERCC8 is on the minus strand). VCF-style: chr5-60902446-C-G. GRCh37 (hg19) VCF-style: chr5-60198273-C-G.
Other names: c.439G>C, p.Ala147Pro (NM_001007233.3); c.154G>C, p.Ala52Pro (NM_001290285.2); short protein forms A205P, A147P, A52P.
Identifiers: ClinVar variation 1718 (VCV000001718.18), dbSNP rs121434326, ClinGen allele CA219858.
Genomic context (GRCh38, chr5:60,902,446, plus strand): 5'-TTTCAAAATGCTTATTATTAATTACTAACTTCAAAAGCAAATAAGTTAAATTTTACCTTG[C>G]TGTTGCCAAGATATAGTCATAACGTGGAGACCAGGAAACTGCTAATATTTCTTGTCTGTG-3'
Protein context (NP_000073.1, residues 195-215): SPRYDYILAT[Ala205Pro]SADSRVKLWD